The following is an entry in ClinVar:

ClinVar aggregate classification (germline): Likely benign (1 of 4 stars; one submission).

gnomAD v4.1: 2 of 1,583,114 alleles (0.00013%); highest among the groups gnomAD compares: Non-Finnish European, 0.00017%; no homozygotes.

Submission:

Women's Health and Genetics/Laboratory Corporation of America, LabCorp
Classification: Likely benign. Last evaluated: 2023-12-18. Review status: criteria provided, single submitter. Criteria: LabCorp Variant Classification Summary - May 2015. Collection method: clinical testing. Allele origin: germline.
Comment: Variant summary: MTSS2 c.1129-16C>A alters a non-conserved nucleotide located at a position not widely known to affect splicing. Consensus agreement among computation tools predict no significant impact on normal splicing. However, these predictions have yet to be confirmed by functional studies. The frequency data for this variant in gnomAD is considered unreliable, as metrics indicate poor data quality at this position. To our knowledge, no occurrence of c.1129-16C>A in individuals affected with Intellectual Developmental Disorder With Ocular Anomalies And Distinctive Facial Features and no experimental evidence demonstrating its impact on protein function have been reported. No submitters have cited clinical-significance assessments for this variant to ClinVar after 2014. Based on the evidence outlined above, the variant was classified as likely benign.

NM_138383.3(MTSS2):c.1129-16C>A

Gene: MTSS2 (MTSS I-BAR domain containing 2; minus strand). Cytogenetic location: 16q22.1.
Variant type: single nucleotide variant.
Coding change: c.1129-16C>A on transcript NM_138383.3 (MANE Select); 16 bases into the intron before coding-DNA position 1129, C replaced by A.
Molecular consequence: intron variant.
Genome position (GRCh38, 1-based): chr16:70,665,112, G>T on the plus strand (C>A on the coding strand, the complement: MTSS2 is on the minus strand). VCF-style: chr16-70665112-G-T. GRCh37 (hg19) VCF-style: chr16-70699015-G-T.
Identifiers: ClinVar variation 2691326 (VCV002691326.1), dbSNP rs2052657191, ClinGen allele CA496230306.